The following is an entry in ClinVar:

NM_000069.3(CACNA1S):c.4312T>C (p.Phe1438Leu)

Gene: CACNA1S (calcium voltage-gated channel subunit alpha1 S; minus strand). Cytogenetic location: 1q32.1.
Variant type: single nucleotide variant.
Coding change: c.4312T>C on transcript NM_000069.3 (MANE Select); coding-DNA position 4312, T replaced by C.
Protein change: p.Phe1438Leu; replaces phenylalanine 1438 with leucine.
Molecular consequence: missense variant.
Genome position (GRCh38, 1-based): chr1:201,049,029, A>G on the plus strand (T>C on the coding strand, the complement: CACNA1S is on the minus strand). VCF-style: chr1-201049029-A-G. GRCh37 (hg19) VCF-style: chr1-201018157-A-G.
Other names: short protein forms F1438L.
Identifiers: ClinVar variation 2930034 (VCV002930034.3), dbSNP rs1660565674, ClinGen allele CA344146148.

ClinVar aggregate classification (germline): Uncertain significance (1 of 4 stars; one submission).

Conditions:
Malignant hyperthermia, susceptibility to, 5 (MHS5). Also called: CACNA1S-Related Malignant Hyperthermia Susceptibility. Identifiers: Orphanet 423, MedGen C1866077, MONDO:0011163, OMIM 601887.
Hypokalemic periodic paralysis, type 1. Also called: Hypokalemic Periodic Paralysis Type 1 (AD); HypoPP. Identifiers: Orphanet 681, MedGen C3714580, MONDO:0042979, OMIM 170400.

Allele frequency attached by ClinVar (database versions not stated): TOPMed below 0.00001.

Submission:

Labcorp Genetics (formerly Invitae), Labcorp
Classification: Uncertain significance for Hypokalemic periodic paralysis, type 1; Malignant hyperthermia, susceptibility to, 5. Last evaluated: 2025-08-04. Review status: criteria provided, single submitter. Criteria: Invitae Variant Classification Sherloc (09022015). Collection method: clinical testing. Allele origin: germline.
Comment: This sequence change replaces phenylalanine, which is neutral and non-polar, with leucine, which is neutral and non-polar, at codon 1438 of the CACNA1S protein (p.Phe1438Leu). This variant is not present in population databases (gnomAD no frequency). This variant has not been reported in the literature in individuals affected with CACNA1S-related conditions. ClinVar contains an entry for this variant (Variation ID: 2930034). Invitae Evidence Modeling of protein sequence and biophysical properties (such as structural, functional, and spatial information, amino acid conservation, physicochemical variation, residue mobility, and thermodynamic stability) indicates that this missense variant is not expected to disrupt CACNA1S protein function with a negative predictive value of 95%. In summary, the available evidence is currently insufficient to determine the role of this variant in disease. Therefore, it has been classified as a Variant of Uncertain Significance.